The following is an entry in ClinVar:

NM_000051.3:c.345_346insALU

Gene: ATM (ATM serine/threonine kinase; plus strand).
Variant type: Insertion.
Identifiers: ClinVar variation 4618080 (VCV004618080.1).

ClinVar aggregate classification (germline): Likely pathogenic (1 of 4 stars; one submission).

Conditions:
Hereditary cancer-predisposing syndrome. Also called: Neoplastic Syndromes, Hereditary; Tumor predisposition; Hereditary Cancer Syndrome; Hereditary neoplastic syndrome. Identifiers: Orphanet 140162, MedGen C0027672, MeSH D009386, MONDO:0015356.

Submission:

Ambry Genetics
Classification: Likely pathogenic for Hereditary cancer-predisposing syndrome. Last evaluated: 2025-11-10. Review status: criteria provided, single submitter. Criteria: Ambry Variant Classification Scheme 2023. Collection method: clinical testing. Allele origin: germline.
Comment: The c.345_346insALU likely pathogenic variant results from the insertion of an Alu element in coding exon 4 of the ATM gene. Mobile element insertions contribute to pathogenicity by either disrupting the coding sequence or inducing aberrant splicing (Belancio VP et al. Semin. Cancer Biol. 2010 Aug;20:200-10; Deininger P et al. Genome Biol. 2011 Dec;12:236; van der Klift HM Hum Mutat. 2012 Jul;33(7):1051-5). RNA studies have demonstrated that this alteration results in abnormal splicing in the set of samples tested (Ambry internal data). Based on the majority of available evidence to date, this variant is likely to be pathogenic.